The following is an entry in ClinVar:

ClinVar aggregate classification (germline): Uncertain significance. Review status: criteria provided, multiple submitters, no conflicts (2 of 4 stars). 2 submissions from 2 submitters: Uncertain significance (2). Last evaluated 2024-01-29.

Conditions:
Inborn genetic diseases. Identifiers: MedGen C0950123, MeSH D030342.
Netherton syndrome (NETH). Also called: COMEL-NETHERTON SYNDROME; ERYTHRODERMA, ICHTHYOSIFORM, WITH HYPOTRICHOSIS AND HYPER-IgE; NETHERTON DISEASE. Identifiers: Orphanet 634, MedGen C5574950, MONDO:0009735, OMIM 256500.

Allele frequency attached by ClinVar (database versions not stated): ExAC 0.00001; gnomAD exomes 0.00001; gnomAD 0.00002; TOPMed 0.00005.
gnomAD v4.1: 18 of 1,613,818 alleles (0.0011%); highest among the groups gnomAD compares: Middle Eastern, 0.016%; no homozygotes.

Submissions (2):

Ambry Genetics
Classification: Uncertain significance for Inborn genetic diseases. Last evaluated: 2024-01-29. Review status: criteria provided, single submitter. Criteria: Ambry Variant Classification Scheme 2023. Collection method: clinical testing. Allele origin: germline.

Labcorp Genetics (formerly Invitae), Labcorp
Classification: Uncertain significance for Ichthyosis linearis circumflexa. Last evaluated: 2021-08-28. Review status: criteria provided, single submitter. Criteria: Invitae Variant Classification Sherloc (09022015). Collection method: clinical testing. Allele origin: germline.
Comment: This sequence change replaces arginine with tryptophan at codon 796 of the SPINK5 protein (p.Arg796Trp). The arginine residue is highly conserved and there is a moderate physicochemical difference between arginine and tryptophan. This variant is present in population databases (rs757605120, ExAC 0.001%). This variant has not been reported in the literature in individuals affected with SPINK5-related conditions. Algorithms developed to predict the effect of missense changes on protein structure and function are either unavailable or do not agree on the potential impact of this missense change (SIFT: "Deleterious"; PolyPhen-2: "Probably Damaging"; Align-GVGD: "Class C0"). In summary, the available evidence is currently insufficient to determine the role of this variant in disease. Therefore, it has been classified as a Variant of Uncertain Significance.

NM_006846.4(SPINK5):c.2386C>T (p.Arg796Trp)

Gene: SPINK5 (serine peptidase inhibitor Kazal type 5; plus strand). Cytogenetic location: 5q32.
Variant type: single nucleotide variant.
Coding change: c.2386C>T on transcript NM_006846.4 (MANE Select); coding-DNA position 2386, C replaced by T.
Protein change: p.Arg796Trp; replaces arginine 796 with tryptophan.
Molecular consequence: missense variant.
Genome position (GRCh38, 1-based): chr5:148,120,081, C>T. VCF-style: chr5-148120081-C-T. GRCh37 (hg19) VCF-style: chr5-147499644-C-T.
Other names: c.2386C>T, p.Arg796Trp (NM_001127698.2, NM_001127699.2); c.2386C>T (NM_006846.3); short protein forms R796W.
Identifiers: ClinVar variation 1006664 (VCV001006664.7), dbSNP rs757605120, ClinGen allele CA3495974.
Genomic context (GRCh38, chr5:148,120,081, plus strand): 5'-GAGTTTAGAAGCCAAATGAAAAATGGAAAACTCATCTGCACTCGAGAAAGTGACCCTGTC[C>T]GGGGTCCAGATGGCAAGACACATGGCAATAAGTGTACTATGTGTAAGGAAAAACTGTGAG-3'
Protein context (NP_006837.2, residues 786-806): LICTRESDPV[Arg796Trp]GPDGKTHGNK